The following is an entry in ClinVar:

NM_032043.3(BRIP1):c.2054A>T (p.Gln685Leu)

Gene: BRIP1 (BRCA1 interacting DNA helicase 1; minus strand). Cytogenetic location: 17q23.2.
Variant type: single nucleotide variant.
Coding change: c.2054A>T on transcript NM_032043.3 (MANE Select); coding-DNA position 2054, A replaced by T.
Protein change: p.Gln685Leu; replaces glutamine 685 with leucine.
Molecular consequence: missense variant.
Genome position (GRCh38, 1-based): chr17:61,776,444, T>A on the plus strand (A>T on the coding strand, the complement: BRIP1 is on the minus strand). VCF-style: chr17-61776444-T-A. GRCh37 (hg19) VCF-style: chr17-59853805-T-A.
Other names: short protein forms Q685L.
Identifiers: ClinVar variation 834170 (VCV000834170.10), dbSNP rs2077533936, ClinGen allele CA400478151.

ClinVar aggregate classification (germline): Uncertain significance (1 of 4 stars; one submission).

Conditions:
Familial cancer of breast. Also called: BREAST CANCER, FAMILIAL; hereditary breast carcinoma; Hereditary breast cancer. Identifiers: Orphanet 227535, MedGen C0346153, MONDO:0016419, OMIM 114480. Disease mechanism: loss of function.
Fanconi anemia complementation group J. Also called: BRIP1-Related Fanconi Anemia. Identifiers: Orphanet 84, MedGen C1836860, MONDO:0012187, OMIM 609054.

Submission:

Labcorp Genetics (formerly Invitae), Labcorp
Classification: Uncertain significance for Familial cancer of breast; Fanconi anemia complementation group J. Last evaluated: 2022-12-29. Review status: criteria provided, single submitter. Criteria: Invitae Variant Classification Sherloc (09022015). Collection method: clinical testing. Allele origin: germline.
Comment: This variant is not present in population databases (gnomAD no frequency). This variant has not been reported in the literature in individuals affected with BRIP1-related conditions. ClinVar contains an entry for this variant (Variation ID: 834170). Advanced modeling of protein sequence and biophysical properties (such as structural, functional, and spatial information, amino acid conservation, physicochemical variation, residue mobility, and thermodynamic stability) has been performed at Invitae for this missense variant, however the output from this modeling did not meet the statistical confidence thresholds required to predict the impact of this variant on BRIP1 protein function. In summary, the available evidence is currently insufficient to determine the role of this variant in disease. Therefore, it has been classified as a Variant of Uncertain Significance. This sequence change replaces glutamine, which is neutral and polar, with leucine, which is neutral and non-polar, at codon 685 of the BRIP1 protein (p.Gln685Leu).